The following is an entry in ClinVar:

ClinVar aggregate classification (germline): Uncertain significance (1 of 4 stars; one submission).

Conditions:
Bardet-Biedl syndrome (BBS). Identifiers: Orphanet 110, MedGen C0752166, MONDO:0015229.

Allele frequency attached by ClinVar (database versions not stated): ExAC 0.00002; gnomAD exomes 0.00001.
gnomAD v4.1: 2 of 1,614,006 alleles (0.00012%); highest among the groups gnomAD compares: Admixed American, 0.0033%; no homozygotes.

Submission:

Labcorp Genetics (formerly Invitae), Labcorp
Classification: Uncertain significance for Bardet-Biedl syndrome. Last evaluated: 2023-08-04. Review status: criteria provided, single submitter. Criteria: Invitae Variant Classification Sherloc (09022015). Collection method: clinical testing. Allele origin: germline.
Comment: This sequence change replaces valine, which is neutral and non-polar, with alanine, which is neutral and non-polar, at codon 531 of the BBS7 protein (p.Val531Ala). In summary, the available evidence is currently insufficient to determine the role of this variant in disease. Therefore, it has been classified as a Variant of Uncertain Significance. Advanced modeling of protein sequence and biophysical properties (such as structural, functional, and spatial information, amino acid conservation, physicochemical variation, residue mobility, and thermodynamic stability) performed at Invitae indicates that this missense variant is expected to disrupt BBS7 protein function. ClinVar contains an entry for this variant (Variation ID: 835646). This variant has not been reported in the literature in individuals affected with BBS7-related conditions. This variant is present in population databases (rs778439860, gnomAD 0.006%).

NM_176824.3(BBS7):c.1592T>C (p.Val531Ala)

Gene: BBS7 (Bardet-Biedl syndrome 7; minus strand). Cytogenetic location: 4q27.
Variant type: single nucleotide variant.
Coding change: c.1592T>C on transcript NM_176824.3 (MANE Select); coding-DNA position 1592, T replaced by C.
Protein change: p.Val531Ala; replaces valine 531 with alanine.
Molecular consequence: missense variant.
Genome position (GRCh38, 1-based): chr4:121,833,315, A>G on the plus strand (T>C on the coding strand, the complement: BBS7 is on the minus strand). VCF-style: chr4-121833315-A-G. GRCh37 (hg19) VCF-style: chr4-122754470-A-G.
Other names: c.1592T>C, p.Val531Ala (NM_018190.4); short protein forms V531A.
Identifiers: ClinVar variation 835646 (VCV000835646.8), dbSNP rs778439860, ClinGen allele CA3064180.